The following is an entry in ClinVar:

ClinVar aggregate classification (germline): Uncertain significance (1 of 4 stars; one submission).

Conditions:
Intellectual developmental disorder, X-linked, syndromic, Turner type. Also called: X-linked intellectual disability, Turner type; Intellectual disability, X-linked syndromic, Turner type. Identifiers: Orphanet 3056, Orphanet 85328, MedGen C2678046, MONDO:0010407, OMIM 309590.

Submission:

Victorian Clinical Genetics Services, Murdoch Childrens Research Institute
Classification: Uncertain significance for Intellectual developmental disorder, X-linked, syndromic, Turner type. Last evaluated: 2020-06-11. Review status: criteria provided, single submitter. Criteria: ACMG Guidelines, 2015. Collection method: clinical testing. Allele origin: germline. Inheritance: X-linked recessive inheritance. Affected: yes.
Comment: Based on the classification scheme VCGS_Germline_v1.1.1, this variant is classified as 3B-VUS. Following criteria are met: 0103 - Both loss- and gain-of-function are known mechanisms of disease for this gene (PMID: 27130160). Only missense observed in ClinVar. (N) 0109 - This gene is known to be associated with X-linked disease. It undergoes X-chromosome inactivation in carrier females (PMID: 29180823). (N) 0200 - Variant is predicted to result in a missense amino acid change from serine to isoleucine (exon 21). (N) 0253 - Variant is hemizygous. (N) 0301 - Variant is absent from gnomAD. (P) 0501 - Missense variant consistently predicted to be damaging by multiple in silico tools or very highly conserved with a major amino acid change. (P) 0600 - Variant is located in an annotated domain or motif (DUF913 domain; NCBI, PDB). (N) 0705 - No comparable variants have previous evidence for pathogenicity. (N) 0807 - Variant has not previously been reported in a clinical context. (N) 0905 - No segregation evidence has been identified for this variant. (N) 1007 - No published functional evidence has been identified for this variant. (N) 1208 - Inheritance information for this variant is not currently available. (N) Legend: (P) - Pathogenic, (N) - Neutral, (B) - Benign

Literature cited by the submitters: PubMed 27130160; PubMed 29180823.

NM_031407.7(HUWE1):c.1826G>T (p.Ser609Ile)

Gene: HUWE1 (HECT, UBA and WWE domain containing E3 ubiquitin protein ligase 1; minus strand). Cytogenetic location: Xp11.22.
Variant type: single nucleotide variant.
Coding change: c.1826G>T on transcript NM_031407.7 (MANE Select); coding-DNA position 1826, G replaced by T.
Protein change: p.Ser609Ile; replaces serine 609 with isoleucine.
Molecular consequence: missense variant.
Genome position (GRCh38, 1-based): chrX:53,617,101, C>A on the plus strand (G>T on the coding strand, the complement: HUWE1 is on the minus strand). VCF-style: chrX-53617101-C-A. GRCh37 (hg19) VCF-style: chrX-53644062-C-A.
Other names: short protein forms S609I.
Identifiers: ClinVar variation 1805726 (VCV001805726.1), dbSNP rs2527486687, ClinGen allele CA413148161.